The following is an entry in ClinVar:

ClinVar aggregate classification (germline): Pathogenic (1 of 4 stars; one submission).

Conditions:
Joubert syndrome. Also called: JOUBERT-BOLTSHAUSER SYNDROME; Familial aplasia of the vermis. Identifiers: Orphanet 475, MedGen C5979921, MONDO:0018772.
Meckel-Gruber syndrome. Also called: DYSENCEPHALIA SPLANCHNOCYSTICA; GRUBER SYNDROME; Dysencephalia splachnocystica. Identifiers: Orphanet 564, MedGen C0265215, MONDO:0018921.

Submission:

Labcorp Genetics (formerly Invitae), Labcorp
Classification: Pathogenic for Joubert syndrome; Meckel-Gruber syndrome. Last evaluated: 2022-10-25. Review status: criteria provided, single submitter. Criteria: Invitae Variant Classification Sherloc (09022015). Collection method: clinical testing. Allele origin: germline.
Comment: This sequence change creates a premature translational stop signal (p.Glu226*) in the CC2D2A gene. It is expected to result in an absent or disrupted protein product. Loss-of-function variants in CC2D2A are known to be pathogenic (PMID: 19777577). This variant is not present in population databases (gnomAD no frequency). This variant has not been reported in the literature in individuals affected with CC2D2A-related conditions. Algorithms developed to predict the effect of sequence changes on RNA splicing suggest that this variant may disrupt the consensus splice site. For these reasons, this variant has been classified as Pathogenic.

Literature cited by the submitters: PubMed 19777577.

NM_001378615.1(CC2D2A):c.676G>T (p.Glu226Ter)

Genes: FBXL5 (F-box and leucine rich repeat protein 5; minus strand), CC2D2A (coiled-coil and C2 domain containing 2A; plus strand). Cytogenetic location: 4p15.32.
Variant type: single nucleotide variant.
Coding change: c.676G>T on transcript NM_001378615.1 (MANE Select); coding-DNA position 676, G replaced by T.
Protein change: p.Glu226Ter; replaces glutamic acid 226 with a stop codon.
Molecular consequence: nonsense.
Genome position (GRCh38, 1-based): chr4:15,511,382, G>T. VCF-style: chr4-15511382-G-T. GRCh37 (hg19) VCF-style: chr4-15513005-G-T.
Other names: c.676G>T, p.Glu226Ter (NM_001080522.2); c.529G>T, p.Glu177Ter (NM_001378617.1); short protein forms E177*, E226*.
Identifiers: ClinVar variation 2036782 (VCV002036782.4), dbSNP rs1716561509, ClinGen allele CA356409013.